The following is an entry in ClinVar:

NM_001352027.3(PHF21A):c.1100_1107del (p.Leu367fs)

Gene: PHF21A (PHD finger protein 21A; minus strand). Cytogenetic location: 11p11.2.
Variant type: Deletion.
Coding change: c.1100_1107del on transcript NM_001352027.3 (MANE Select); coding-DNA positions 1100 to 1107, 8 bases deleted (TTGCCTTC; older notation c.1100_1107delTTGCCTTC).
Protein change: p.Leu367fs; shifts the reading frame from leucine 367.
Molecular consequence: frameshift variant. On other transcripts: non-coding transcript variant (2).
Genome position (GRCh38, 1-based): chr11:45,950,246-45,950,253, GAAGGCAA deleted on the plus strand (TTGCCTTC on the coding strand, the reverse complement: PHF21A is on the minus strand); deleting any 8 consecutive bases within chr11:45,950,246-45,950,254 gives the same sequence; the c. name uses the placement nearest the transcript's 3' end. VCF-style (leftmost placement, unchanged base first): chr11-45950245-TGAAGGCAA-T. GRCh37 (hg19) VCF-style: chr11-45971796-TGAAGGCAA-T.
Other names: c.1097_1104del, p.Leu366fs (NM_001101802.3, NM_001352030.3, NM_001352031.3 and 1 more transcripts); c.1100_1107del, p.Leu367fs (NM_001352025.3, NM_001352026.3, NM_001352028.1 and 2 more transcripts); short protein forms L366fs, L367fs.
Identifiers: ClinVar variation 1069464 (VCV001069464.7), dbSNP rs2135484845, ClinGen allele CA2499220953.

ClinVar aggregate classification (germline): Pathogenic (1 of 4 stars; one submission).

Submission:

Labcorp Genetics (formerly Invitae), Labcorp
Classification: Pathogenic. Last evaluated: 2020-10-19. Review status: criteria provided, single submitter. Criteria: Invitae Variant Classification Sherloc (09022015). Collection method: clinical testing. Allele origin: germline.
Comment: For these reasons, this variant has been classified as Pathogenic. This sequence change creates a premature translational stop signal (p.Leu366Hisfs*10) in the PHF21A gene. It is expected to result in an absent or disrupted protein product. Loss-of-function variants in PHF21A are known to be pathogenic (PMID: 30487643). This variant is not present in population databases (ExAC no frequency). This variant has not been reported in the literature in individuals with PHF21A-related conditions.

Literature cited by the submitters: PubMed 30487643.